The following is an entry in ClinVar:

ClinVar aggregate classification (germline): Uncertain significance. Review status: criteria provided, multiple submitters, no conflicts (2 of 4 stars). 3 submissions from 3 submitters: Uncertain significance (2). 1 of the submissions does not count toward it. Last evaluated 2025-11-13.

Allele frequency attached by ClinVar (database versions not stated): gnomAD exomes 0.00002 and 0.00006; TOPMed 0.00003; gnomAD 0.00004; ExAC 0.00007.
gnomAD v4.1: 42 of 1,613,648 alleles (0.0026%); highest among the groups gnomAD compares: East Asian, 0.022%; no homozygotes.

Submissions (3):

Labcorp Genetics (formerly Invitae), Labcorp
Classification: Uncertain significance. Last evaluated: 2025-11-13. Review status: criteria provided, single submitter. Criteria: Invitae Variant Classification Sherloc (09022015). Collection method: clinical testing. Allele origin: germline.
Comment: This sequence change replaces asparagine, which is neutral and polar, with serine, which is neutral and polar, at codon 658 of the ACAN protein (p.Asn658Ser). This variant is present in population databases (rs370283261, gnomAD 0.06%). This variant has not been reported in the literature in individuals affected with ACAN-related conditions. ClinVar contains an entry for this variant (Variation ID: 1297647). Invitae Evidence Modeling of protein sequence and biophysical properties (such as structural, functional, and spatial information, amino acid conservation, physicochemical variation, residue mobility, and thermodynamic stability) indicates that this missense variant is not expected to disrupt ACAN protein function with a negative predictive value of 80%. In summary, the available evidence is currently insufficient to determine the role of this variant in disease. Therefore, it has been classified as a Variant of Uncertain Significance.

Blueprint Genetics
Classification: Uncertain significance. Last evaluated: 2023-05-31. Review status: criteria provided, single submitter. Criteria: ACMG Guidelines, 2015. Collection method: clinical testing. Allele origin: germline.

Clinical Genetics DNA and cytogenetics Diagnostics Lab, Erasmus MC, Erasmus Medical Center
Classification: Uncertain significance. Review status: no assertion criteria provided. Collection method: clinical testing. Allele origin: germline. Affected: yes. Study: VKGL Data-share Consensus. Not counted in ClinVar's aggregate classification.

NM_001369268.1(ACAN):c.1973A>G (p.Asn658Ser)

Gene: ACAN (aggrecan; plus strand). Cytogenetic location: 15q26.1.
Variant type: single nucleotide variant.
Coding change: c.1973A>G on transcript NM_001369268.1 (MANE Select); coding-DNA position 1973, A replaced by G.
Protein change: p.Asn658Ser; replaces asparagine 658 with serine.
Molecular consequence: missense variant.
Genome position (GRCh38, 1-based): chr15:88,849,678, A>G. VCF-style: chr15-88849678-A-G. GRCh37 (hg19) VCF-style: chr15-89392909-A-G.
Other names: c.1973A>G, p.Asn658Ser (NM_001135.4, NM_013227.4); short protein forms N658S.
Identifiers: ClinVar variation 1297647 (VCV001297647.9), dbSNP rs370283261, ClinGen allele CA7719743.